The following is an entry in ClinVar:

NM_001165963.4(SCN1A):c.2508C>G (p.Asp836Glu)

Gene: SCN1A (sodium voltage-gated channel alpha subunit 1; minus strand). Cytogenetic location: 2q24.3.
Variant type: single nucleotide variant.
Coding change: c.2508C>G on transcript NM_001165963.4 (MANE Select); coding-DNA position 2508, C replaced by G.
Protein change: p.Asp836Glu; replaces aspartic acid 836 with glutamic acid.
Molecular consequence: missense variant. On other transcripts: non-coding transcript variant (1).
Genome position (GRCh38, 1-based): chr2:166,039,504, G>C on the plus strand (C>G on the coding strand, the complement: SCN1A is on the minus strand). VCF-style: chr2-166039504-G-C. GRCh37 (hg19) VCF-style: chr2-166896014-G-C.
Other names: c.2475C>G, p.Asp825Glu (NM_006920.6, NM_001353949.2, NM_001353950.2 and 2 more transcripts); c.2472C>G, p.Asp824Glu (NM_001353954.2, NM_001353955.2); c.2424C>G, p.Asp808Glu (NM_001353957.2, NM_001353958.2, NM_001165964.3); c.2421C>G, p.Asp807Glu (NM_001353960.2); c.66C>G, p.Asp22Glu (NM_001353961.2); c.2508C>G, p.Asp836Glu (NM_001353948.2, NM_001202435.3); short protein forms D22E, D807E, D824E, D836E, D808E, D825E.
Identifiers: ClinVar variation 3634046 (VCV003634046.2).
Genomic context (GRCh38, chr2:166,039,504, plus strand): 5'-AGATAATCCTTCCACATTGGCGAGTCCAAGTTCTACCAGGCTAAGCGTCACAATAAAACC[G>C]TCAAAGATATTCCAGCCTTCTTGGAAATAATAGTAAGGATCCATGGCAATAATTTTCAGA-3'
Protein context (NP_001159435.1, residues 826-846): YYFQEGWNIF[Asp836Glu]GFIVTLSLVE

ClinVar aggregate classification (germline): Uncertain significance (1 of 4 stars; one submission).

Conditions:
Early-infantile DEE. Also called: Early infantile epileptic encephalopathy; Ohtahara syndrome; Early infantile epileptic encephalopathy with suppression bursts. Identifiers: Orphanet 1934, MedGen C0393706, MONDO:0800491.

Submission:

Labcorp Genetics (formerly Invitae), Labcorp
Classification: Uncertain significance for Early-infantile DEE. Last evaluated: 2024-02-13. Review status: criteria provided, single submitter. Criteria: Invitae Variant Classification Sherloc (09022015). Collection method: clinical testing. Allele origin: germline.
Comment: This sequence change replaces aspartic acid, which is acidic and polar, with glutamic acid, which is acidic and polar, at codon 836 of the SCN1A protein (p.Asp836Glu). This variant is not present in population databases (gnomAD no frequency). This variant has not been reported in the literature in individuals affected with SCN1A-related conditions. Advanced modeling of protein sequence and biophysical properties (such as structural, functional, and spatial information, amino acid conservation, physicochemical variation, residue mobility, and thermodynamic stability) performed at Invitae indicates that this missense variant is expected to disrupt SCN1A protein function with a positive predictive value of 95%. In summary, the available evidence is currently insufficient to determine the role of this variant in disease. Therefore, it has been classified as a Variant of Uncertain Significance.